The following is an entry in ClinVar:

ClinVar aggregate classification (germline): Uncertain significance (1 of 4 stars; one submission).

gnomAD v4.1: 1 of 1,612,966 alleles (0.000062%); highest among the groups gnomAD compares: South Asian, 0.0011%; no homozygotes.

Submission:

GeneDx
Classification: Uncertain significance. Last evaluated: 2025-02-18. Review status: criteria provided, single submitter. Criteria: GeneDx Variant Classification Process June 2021. Collection method: clinical testing. Allele origin: germline. Affected: yes.
Comment: In silico analysis supports that this missense variant has a deleterious effect on protein structure/function; Has not been previously published as pathogenic or benign to our knowledge

NM_001320.7(CSNK2B):c.515C>G (p.Pro172Arg)

Gene: CSNK2B (casein kinase 2 beta; plus strand). Cytogenetic location: 6p21.33.
Variant type: single nucleotide variant.
Coding change: c.515C>G on transcript NM_001320.7 (MANE Select); coding-DNA position 515, C replaced by G.
Protein change: p.Pro172Arg; replaces proline 172 with arginine.
Molecular consequence: missense variant.
Genome position (GRCh38, 1-based): chr6:31,669,466, C>G. VCF-style: chr6-31669466-C-G. GRCh37 (hg19) VCF-style: chr6-31637243-C-G.
Other names: c.506C>G, p.Pro169Arg (NM_001282385.2); short protein forms P169R, P172R.
Identifiers: ClinVar variation 4075733 (VCV004075733.1).